The following is an entry in ClinVar:

ClinVar aggregate classification (germline): Likely benign (1 of 4 stars; one submission).

Submission:

CeGaT Center for Human Genetics Tuebingen
Classification: Likely benign. Last evaluated: 2025-09-01. Review status: criteria provided, single submitter. Criteria: CeGaT Center For Human Genetics Tuebingen Variant Classification Criteria Version 2. Collection method: clinical testing. Allele origin: germline. Affected: yes. Observed: 1 variant allele.
Comment: DSPP: PM2:Supporting, BP4, BP7

NM_014208.3(DSPP):c.2208C>T (p.Asp736=)

Genes: DMP1-AS1 (DMP1 and DSPP antisense RNA 1; minus strand), DSPP (dentin sialophosphoprotein; plus strand). Cytogenetic location: 4q22.1.
Variant type: single nucleotide variant.
Coding change: c.2208C>T on transcript NM_014208.3 (MANE Select); coding-DNA position 2208, C replaced by T.
Protein change: p.Asp736=; no amino-acid change (aspartic acid 736 retained).
Molecular consequence: synonymous variant.
Genome position (GRCh38, 1-based): chr4:87,614,870, C>T. VCF-style: chr4-87614870-C-T. GRCh37 (hg19) VCF-style: chr4-88536022-C-T.
Identifiers: ClinVar variation 4281108 (VCV004281108.7).